The following is an entry in ClinVar:

NM_001190737.2(NFIB):c.376A>G (p.Lys126Glu)

Gene: NFIB (nuclear factor I B; minus strand). Cytogenetic location: 9p22.3.
Variant type: single nucleotide variant.
Coding change: c.376A>G on transcript NM_001190737.2 (MANE Select); coding-DNA position 376, A replaced by G.
Protein change: p.Lys126Glu; replaces lysine 126 with glutamic acid.
Molecular consequence: missense variant. On other transcripts: intron variant (3).
Genome position (GRCh38, 1-based): chr9:14,307,175, T>C on the plus strand (A>G on the coding strand, the complement: NFIB is on the minus strand). VCF-style: chr9-14307175-T-C. GRCh37 (hg19) VCF-style: chr9-14307174-T-C.
Other names: c.376A>G, p.Lys126Glu (NM_005596.3, NM_001369461.1, NM_001369464.1 and 3 more transcripts); c.454A>G, p.Lys152Glu (NM_001190738.2); c.442A>G, p.Lys148Glu (NM_001369458.1, NM_001369459.1, NM_001369462.1 and 1 more transcripts); c.364A>G, p.Lys122Glu (NM_001369460.1, NM_001369463.1, NM_001369466.1 and 2 more transcripts); c.349A>G, p.Lys117Glu (NM_001369465.1, NM_001369467.1, NM_001369476.1); c.232A>G, p.Lys78Glu (NM_001369469.1); c.361A>G, p.Lys121Glu (NM_001369474.1); c.325+39A>G (NM_001369478.1, NM_001369470.1); and 1 more; short protein forms K126E, K122E, K117E, K148E, K152E, K121E, K78E.
Identifiers: ClinVar variation 560026 (VCV000560026.7), dbSNP rs1554709662, ClinGen allele CA373090228.

ClinVar aggregate classification (germline): Pathogenic/Likely pathogenic. Review status: criteria provided, multiple submitters, no conflicts (2 of 4 stars). 6 submissions from 6 submitters: Pathogenic (2); Likely pathogenic (2). 2 of the submissions do not count toward it. Last evaluated 2023-06-08.

Conditions:
Macrocephaly, acquired, with impaired intellectual development. Also called: MACROCEPHALY, ACQUIRED, WITH MENTAL RETARDATION. Identifiers: MedGen C4748993, MONDO:0032658, OMIM 618286.
Intellectual disability. Also called: Intellectual functioning disability; intellectual disabilities; Intellectual developmental disorder. Identifiers: MedGen C3714756, MeSH D008607, MONDO:0001071, HP:0001249.
Macrocephaly. Also called: large head; Macrocephalus. Identifiers: MedGen C2243051, HP:0000256.
Marfanoid habitus and intellectual disability. Identifiers: MedGen CN263130.

Submissions (6):

GeneDx
Classification: Pathogenic. Last evaluated: 2023-06-08. Review status: criteria provided, single submitter. Criteria: GeneDx Variant Classification Process June 2021. Collection method: clinical testing. Allele origin: germline. Affected: yes.
Comment: Published functional studies demonstrate a damaging effect as p.(K126E) caused significant reduction in luciferase activity compared to the wild type protein (Schanze et al., 2018); Not observed at significant frequency in large population cohorts (gnomAD); In silico analysis supports that this missense variant has a deleterious effect on protein structure/function; This variant is associated with the following publications: (PMID: 30388402, 32277047)

SIB Swiss Institute of Bioinformatics
Classification: Likely pathogenic for Macrocephaly, acquired, with impaired intellectual development. Last evaluated: 2019-10-02. Review status: criteria provided, single submitter. Criteria: ACMG Guidelines, 2015. Collection method: curation. Allele origin: unknown.
Comment: This variant is interpreted as a Likely pathogenic for Macrocephaly, acquired, with impaired intellectual development, autosomal dominant. The following ACMG Tag(s) were applied: PM2, PP3, PM1-Supporting, PS3-Moderate, PS2-Moderate.

Department of Human Genetics, University Hospital Magdeburg
Classification: Pathogenic for Intellectual disability; Macrocephaly. Review status: criteria provided, single submitter. Criteria: ACMG Guidelines, 2015. Collection method: research. Allele origin: de novo. Inheritance: Autosomal dominant inheritance. Affected: yes.

Equipe Genetique des Anomalies du Developpement, Université de Bourgogne
Classification: Likely pathogenic for Marfanoid habitus and intellectual disability. Review status: criteria provided, single submitter. Criteria: ACMG Guidelines, 2015. Collection method: research. Allele origin: de novo. Affected: yes.

Solve-RD Consortium
Classification: Likely pathogenic for Macrocephaly, acquired, with impaired intellectual development. Last evaluated: 2022-06-01. Review status: no assertion criteria provided. Collection method: provider interpretation. Allele origin: inherited. Affected: yes. Not counted in ClinVar's aggregate classification.
Comment: Variant confirmed as disease-causing by referring clinical team

Variant identified during reanalysis of unsolved cases by the Solve-RD project. The Solve-RD project has received funding from the European Union’s Horizon 2020 research and innovation programme under grant agreement No 779257.

OMIM
Classification: Pathogenic for MACROCEPHALY, ACQUIRED, WITH IMPAIRED INTELLECTUAL DEVELOPMENT. Last evaluated: 2019-01-23. Review status: no assertion criteria provided. Collection method: literature only. Allele origin: germline. Not counted in ClinVar's aggregate classification.

Literature cited by the submitters: PubMed 30388402 (cited by SIB Swiss Institute of Bioinformatics and OMIM); PubMed 39825153 (cited by Solve-RD Consortium).